The following is an entry in ClinVar:

ClinVar aggregate classification (germline): Uncertain significance (1 of 4 stars; one submission).

gnomAD v4.1: 26 of 1,613,980 alleles (0.0016%); highest among the groups gnomAD compares: Non-Finnish European, 0.002%; no homozygotes.

Submission:

Labcorp Genetics (formerly Invitae), Labcorp
Classification: Uncertain significance. Last evaluated: 2022-02-24. Review status: criteria provided, single submitter. Criteria: Invitae Variant Classification Sherloc (09022015). Collection method: clinical testing. Allele origin: germline.
Comment: This sequence change replaces arginine, which is basic and polar, with histidine, which is basic and polar, at codon 1292 of the PCDH15 protein (p.Arg1292His). This variant is present in population databases (rs781125903, gnomAD 0.003%). This variant has not been reported in the literature in individuals affected with PCDH15-related conditions. Algorithms developed to predict the effect of missense changes on protein structure and function (SIFT, PolyPhen-2, Align-GVGD) all suggest that this variant is likely to be tolerated. In summary, the available evidence is currently insufficient to determine the role of this variant in disease. Therefore, it has been classified as a Variant of Uncertain Significance.

NM_001384140.1(PCDH15):c.3875G>A (p.Arg1292His)

Gene: PCDH15 (protocadherin related 15; minus strand). Cytogenetic location: 10q21.1.
Variant type: single nucleotide variant.
Coding change: c.3875G>A on transcript NM_001384140.1 (MANE Select); coding-DNA position 3875, G replaced by A.
Protein change: p.Arg1292His; replaces arginine 1292 with histidine.
Molecular consequence: missense variant.
Genome position (GRCh38, 1-based): chr10:53,840,428, C>T on the plus strand (G>A on the coding strand, the complement: PCDH15 is on the minus strand). VCF-style: chr10-53840428-C-T. GRCh37 (hg19) VCF-style: chr10-55600188-C-T.
Other names: c.3890G>A, p.Arg1297His (NM_001142763.2, NM_001142771.2); c.3875G>A, p.Arg1292His (NM_001142764.2, NM_001142766.2, NM_001142770.3 and 4 more transcripts); c.3662G>A, p.Arg1221His (NM_001142765.2); c.3764G>A, p.Arg1255His (NM_001142767.2); c.3809G>A, p.Arg1270His (NM_001142768.2, NM_001142773.2, NM_001354404.2); c.3911G>A, p.Arg1304His (NM_001142769.4); c.3896G>A, p.Arg1299His (NM_001354411.2); short protein forms R1221H, R1255H, R1270H, R1292H, R1297H, R1299H, R1304H.
Identifiers: ClinVar variation 2417819 (VCV002417819.3), dbSNP rs781125903, ClinGen allele CA5505522.